The following is an entry in ClinVar:

ClinVar aggregate classification (germline): Benign/Likely benign. Review status: criteria provided, multiple submitters, no conflicts (2 of 4 stars). 27 submissions from 20 submitters: Benign (16); Likely benign (5). 6 of the submissions do not count toward it. Last evaluated 2026-09-01.

Conditions:
Autosomal recessive limb-girdle muscular dystrophy type 2J (LGMDR10). Also called: MUSCULAR DYSTROPHY, LIMB-GIRDLE, AUTOSOMAL RECESSIVE 10; Limb-girdle muscular dystrophy, type 2J. Identifiers: Orphanet 140922, MedGen C1837342, MONDO:0012127, OMIM 608807.
Dilated cardiomyopathy 1G (CMD1G). Identifiers: Orphanet 154, MedGen C1858763, MONDO:0011400, OMIM 604145.
Cardiomyopathy (CMYO). Also called: Cardiomyopathies. Identifiers: Orphanet 167848, MedGen C0878544, MONDO:0004994, HP:0001638. Inheritance: Various modes of inheritance.
Myopathy, myofibrillar, 9, with early respiratory failure (MFM9). Also called: Myopathy, distal, with early respiratory failure, autosomal dominant; Hereditary myopathy with early respiratory failure; EDSTROM MYOPATHY; MYOPATHY, PROXIMAL, WITH EARLY RESPIRATORY MUSCLE INVOLVEMENT. Identifiers: Orphanet 178464, Orphanet 34521, MedGen C1863599, MONDO:0011362, OMIM 603689.
Early-onset myopathy with fatal cardiomyopathy (CMYO5). Also called: CONGENITAL MYOPATHY 5 WITH CARDIOMYOPATHY; Salih Myopathy. Identifiers: Orphanet 289377, MedGen C2673677, MONDO:0012714, OMIM 611705. Disease mechanism: loss of function.
Tibial muscular dystrophy (TMD). Also called: Tibial muscular dystrophy, tardive; Udd Distal Myopathy – Tibial Muscular Dystrophy; UDD MYOPATHY. Identifiers: Orphanet 609, MedGen C1838244, MONDO:0010870, OMIM 600334.

Allele frequency attached by ClinVar (database versions not stated): gnomAD exomes 0.00771 and 0.01087; 1000 Genomes Project 0.00280; gnomAD 0.00670 and 0.00697; 1000 Genomes Project 30x 0.00312; TOPMed 0.00706; ExAC 0.00823; ESP Exome Variant Server 0.00831.
gnomAD v4.1: 16,681 of 1,613,714 alleles (1%); highest among the groups gnomAD compares: Non-Finnish European, 1.3%; 105 homozygotes.

Submissions (27):

CeGaT Center for Human Genetics Tuebingen
Classification: Benign. Last evaluated: 2026-09-01. Review status: criteria provided, single submitter. Criteria: CeGaT Center For Human Genetics Tuebingen Variant Classification Criteria Version 2. Collection method: clinical testing. Allele origin: germline. Affected: yes. Observed: 59 variant alleles.
Comment: TTN: BP4, BP7, BS1, BS2

Labcorp Genetics (formerly Invitae), Labcorp
Classification: Benign for Dilated cardiomyopathy 1G; Autosomal recessive limb-girdle muscular dystrophy type 2J. Last evaluated: 2026-02-04. Review status: criteria provided, single submitter. Criteria: Invitae Variant Classification Sherloc (09022015). Collection method: clinical testing. Allele origin: germline.

ARUP Laboratories, Molecular Genetics and Genomics, ARUP Laboratories
Classification: Benign. Last evaluated: 2025-05-26. Review status: criteria provided, single submitter. Criteria: ARUP Molecular Germline Variant Investigation Process 2024. Collection method: clinical testing. Allele origin: germline.

Molecular Diagnostic Laboratory for Inherited Cardiovascular Disease, Montreal Heart Institute
Classification: Benign. Last evaluated: 2025-04-09. Review status: criteria provided, single submitter. Criteria: ACMG Guidelines, 2015. Collection method: clinical testing. Allele origin: germline. Affected: no.

Blueprint Genetics
Classification: Likely benign. Last evaluated: 2024-11-25. Review status: criteria provided, single submitter. Criteria: ACMG Guidelines, 2015. Collection method: clinical testing. Allele origin: germline.

Genome-Nilou Lab
Classification: Benign for Autosomal recessive limb-girdle muscular dystrophy type 2J. Last evaluated: 2021-09-10. Review status: criteria provided, single submitter. Criteria: ACMG Guidelines, 2015. Collection method: clinical testing. Allele origin: germline. Affected: no.

Genome-Nilou Lab
Classification: Benign for Myopathy, myofibrillar, 9, with early respiratory failure. Last evaluated: 2021-09-10. Review status: criteria provided, single submitter. Criteria: ACMG Guidelines, 2015. Collection method: clinical testing. Allele origin: germline. Affected: no.

Genome-Nilou Lab
Classification: Benign for Early-onset myopathy with fatal cardiomyopathy. Last evaluated: 2021-09-10. Review status: criteria provided, single submitter. Criteria: ACMG Guidelines, 2015. Collection method: clinical testing. Allele origin: germline. Affected: no.

Genome-Nilou Lab
Classification: Benign for Tibial muscular dystrophy. Last evaluated: 2021-09-10. Review status: criteria provided, single submitter. Criteria: ACMG Guidelines, 2015. Collection method: clinical testing. Allele origin: germline. Affected: no.

Women's Health and Genetics/Laboratory Corporation of America, LabCorp
Classification: Benign. Last evaluated: 2020-12-06. Review status: criteria provided, single submitter. Criteria: LabCorp Variant Classification Summary - May 2015. Collection method: clinical testing. Allele origin: germline.

Mayo Clinic Laboratories, Mayo Clinic
Classification: Benign. Last evaluated: 2018-02-20. Review status: criteria provided, single submitter. Criteria: ACMG Guidelines, 2015. Collection method: clinical testing. Allele origin: germline. Observed: 25 variant alleles.

Illumina Laboratory Services, Illumina
Classification: Benign for Myopathy, myofibrillar, 9, with early respiratory failure. Last evaluated: 2018-01-13. Review status: criteria provided, single submitter. Criteria: ICSL Variant Classification Criteria 13 December 2019. Collection method: clinical testing. Allele origin: germline.
Comment: This variant was observed in the ICSL laboratory as part of a predisposition screen in an ostensibly healthy population. It had not been previously curated by ICSL or reported in the Human Gene Mutation Database (HGMD: prior to June 1st, 2018), and was therefore a candidate for classification through an automated scoring system. Utilizing variant allele frequency, disease prevalence and penetrance estimates, and inheritance mode, an automated score was calculated to assess if this variant is too frequent to cause the disease. Based on the score and internal cut-off values, a variant classified as benign is not then subjected to further curation. The score for this variant resulted in a classification of benign for this disease.

Illumina Laboratory Services, Illumina
Classification: Likely benign for Autosomal recessive limb-girdle muscular dystrophy type 2J. Last evaluated: 2018-01-13. Review status: criteria provided, single submitter. Criteria: ICSL Variant Classification Criteria 13 December 2019. Collection method: clinical testing. Allele origin: germline.
Comment: This variant was observed in the ICSL laboratory as part of a predisposition screen in an ostensibly healthy population. It had not been previously curated by ICSL or reported in the Human Gene Mutation Database (HGMD: prior to June 1st, 2018), and was therefore a candidate for classification through an automated scoring system. Utilizing variant allele frequency, disease prevalence and penetrance estimates, and inheritance mode, an automated score was calculated to assess if this variant is too frequent to cause the disease. Based on the score and internal cut-off values, a variant classified as likely benign is not then subjected to further curation. The score for this variant resulted in a classification of likely benign for this disease.

Illumina Laboratory Services, Illumina
Classification: Likely benign for Early-onset myopathy with fatal cardiomyopathy. Last evaluated: 2018-01-13. Review status: criteria provided, single submitter. Criteria: ICSL Variant Classification Criteria 13 December 2019. Collection method: clinical testing. Allele origin: germline.
Comment: the same text as in the submission from Illumina Laboratory Services, Illumina above.

Illumina Laboratory Services, Illumina
Classification: Likely benign for Dilated cardiomyopathy 1G. Last evaluated: 2018-01-13. Review status: criteria provided, single submitter. Criteria: ICSL Variant Classification Criteria 13 December 2019. Collection method: clinical testing. Allele origin: germline.
Comment: the same text as in the submission from Illumina Laboratory Services, Illumina above.

Illumina Laboratory Services, Illumina
Classification: Benign for Tibial muscular dystrophy. Last evaluated: 2018-01-13. Review status: criteria provided, single submitter. Criteria: ICSL Variant Classification Criteria 13 December 2019. Collection method: clinical testing. Allele origin: germline.
Comment: the same text as in the submission from Illumina Laboratory Services, Illumina above.

CHEO Genetics Diagnostic Laboratory, Children's Hospital of Eastern Ontario
Classification: Benign for Cardiomyopathy. Last evaluated: 2016-11-24. Review status: criteria provided, single submitter. Criteria: ACMG Guidelines, 2015. Collection method: clinical testing. Allele origin: germline. Study: Canadian Open Genetics Repository.

Eurofins Ntd Llc (ga)
Classification: Benign. Last evaluated: 2013-05-08. Review status: criteria provided, single submitter. Criteria: EGL Classification Definitions 2015. Collection method: clinical testing. Allele origin: germline. Observed: 2 variant alleles, 2 heterozygotes.

GeneDx
Classification: Benign. Last evaluated: 2013-04-29. Review status: criteria provided, single submitter. Criteria: GeneDx Variant Classification (06012015). Collection method: clinical testing. Allele origin: germline. Affected: yes.
Comment: This variant is considered likely benign or benign based on one or more of the following criteria: it is a conservative change, it occurs at a poorly conserved position in the protein, it is predicted to be benign by multiple in silico algorithms, and/or has population frequency not consistent with disease.

Laboratory for Molecular Medicine, Mass General Brigham Personalized Medicine
Classification: Benign. Last evaluated: 2012-05-10. Review status: criteria provided, single submitter. Criteria: LMM Criteria. Collection method: clinical testing. Allele origin: germline. Observed: 41 variant alleles.
Comment: Pro10627Pro in Exon 157 of TTN: This variant is not expected to have clinical si gnificance because it does not alter an amino acid residue, is not located withi n the splice consensus sequence and has been identified in 1.1% (72/6560) of Eur opean American chromosomes from a broad population by the NHLBI Exome Sequencing Project (dbSNP rs12474306).

Breakthrough Genomics
Classification: Likely benign. Review status: criteria provided, single submitter. Criteria: ACMG Guidelines, 2015. Collection method: not provided. Allele origin: germline. Inheritance: Autosomal recessive inheritance. Affected: yes.

Clinical Genetics DNA and cytogenetics Diagnostics Lab, Erasmus MC, Erasmus Medical Center
Classification: Benign. Review status: no assertion criteria provided. Collection method: clinical testing. Allele origin: germline. Affected: yes. Study: VKGL Data-share Consensus. Not counted in ClinVar's aggregate classification.

Clinical Genetics, Academic Medical Center
Classification: Benign. Review status: no assertion criteria provided. Collection method: clinical testing. Allele origin: germline. Affected: yes. Study: VKGL Data-share Consensus. Not counted in ClinVar's aggregate classification.

Diagnostic Laboratory, Department of Genetics, University Medical Center Groningen
Classification: Likely benign. Review status: no assertion criteria provided. Collection method: clinical testing. Allele origin: germline. Affected: yes. Study: VKGL Data-share Consensus. Not counted in ClinVar's aggregate classification.

Genetic Services Laboratory, University of Chicago
Classification: Likely benign for AllHighlyPenetrant. Review status: no assertion criteria provided. Collection method: clinical testing. Allele origin: germline. Not counted in ClinVar's aggregate classification.
Comment: Likely benign based on allele frequency in 1000 Genomes Project or ESP global frequency and its presence in a patient with a rare or unrelated disease phenotype. NOT Sanger confirmed.

Joint Genome Diagnostic Labs from Nijmegen and Maastricht, Radboudumc and MUMC+
Classification: Benign. Review status: no assertion criteria provided. Collection method: clinical testing. Allele origin: germline. Affected: yes. Study: VKGL Data-share Consensus. Not counted in ClinVar's aggregate classification.

Laboratory of Diagnostic Genome Analysis, Leiden University Medical Center (LUMC)
Classification: Likely benign. Review status: no assertion criteria provided. Collection method: clinical testing. Allele origin: germline. Affected: yes. Study: VKGL Data-share Consensus. Not counted in ClinVar's aggregate classification.

NM_001267550.2(TTN):c.39183T>A (p.Pro13061=)

Gene: TTN (titin; minus strand). Cytogenetic location: 2q31.2.
Variant type: single nucleotide variant.
Coding change: c.39183T>A on transcript NM_001267550.2 (MANE Select); coding-DNA position 39183, T replaced by A.
Protein change: p.Pro13061=; no amino-acid change (proline 13061 retained).
Molecular consequence: synonymous variant. On other transcripts: intron variant (3).
Genome position (GRCh38, 1-based): chr2:178,652,292, A>T on the plus strand (T>A on the coding strand, the complement: TTN is on the minus strand). VCF-style: chr2-178652292-A-T. GRCh37 (hg19) VCF-style: chr2-179517019-A-T.
Other names: p.P11554P:CCT>CCA; p.Pro10627=; c.34662T>A, p.Pro11554= (NM_001256850.1); c.31881T>A, p.Pro10627= (NM_133378.4); c.13283-9975T>A (NM_003319.4); c.13859-9975T>A (NM_133437.4); c.13658-9975T>A (NM_133432.3).
Identifiers: ClinVar variation 46922 (VCV000046922.81), dbSNP rs12474306, ClinGen allele CA283183.